The following is an entry in ClinVar:

ClinVar aggregate classification (germline): Benign (1 of 4 stars; one submission).

Conditions:
MELAS syndrome (MELAS). Also called: Juvenile myopathy, encephalopathy, lactic acidosis, stroke. Identifiers: Orphanet 550, MedGen C0162671, MONDO:0010789, OMIM 540000.

Submission:

Wong Mito Lab, Molecular and Human Genetics, Baylor College of Medicine
Classification: Benign for MELAS syndrome. Last evaluated: 2019-07-12. Review status: criteria provided, single submitter. Criteria: Modified ACMG Guidelines (Unpublished). Collection method: clinical testing. Allele origin: germline.
Comment: The NC_012920.1:m.12234A>G variant in MT-TS2 gene is interpreted to be a Benign variant based on the modified ACMG guidelines (unpublished). This variant meets the following evidence codes reported in the guidelines: BS1, BS2, BP4

Literature cited by the submitters: PubMed 31965079.

NC_012920.1(MT-TS2):m.12234A>G

Gene: MT-TS2 (mitochondrially encoded tRNA serine 2 (AGU/C); plus strand).
Variant type: single nucleotide variant.
Genome position: chrM-12234-A-G.
Identifiers: ClinVar variation 690166 (VCV000690166.1), dbSNP rs1603223628, ClinGen allele CA913169803.